The following is an entry in ClinVar:

ClinVar aggregate classification (germline): Benign. Review status: criteria provided, multiple submitters, no conflicts (2 of 4 stars). 4 submissions from 4 submitters: Benign (4). Last evaluated 2026-02-01.

Conditions:
Myasthenic syndrome, congenital, 22 (CMS22). Also called: PREPL DEFICIENCY. Identifiers: MedGen C4479088, MONDO:0044299, OMIM 616224.

Allele frequency attached by ClinVar (database versions not stated): ExAC 0.01056; gnomAD 0.03255 and 0.03485; TOPMed 0.03708; ESP Exome Variant Server 0.03760; 1000 Genomes Project 0.03794; 1000 Genomes Project 30x 0.04216.
gnomAD v4.1: 9,622 of 1,614,034 alleles (0.6%); highest among the groups gnomAD compares: African/African-American, 11%; 490 homozygotes.

Submissions (4):

Labcorp Genetics (formerly Invitae), Labcorp
Classification: Benign for Myasthenic syndrome, congenital, 22. Last evaluated: 2026-02-01. Review status: criteria provided, single submitter. Criteria: Invitae Variant Classification Sherloc (09022015). Collection method: clinical testing. Allele origin: germline.

Mayo Clinic Laboratories, Mayo Clinic
Classification: Benign. Last evaluated: 2022-12-29. Review status: criteria provided, single submitter. Criteria: ACMG Guidelines, 2015. Collection method: clinical testing. Allele origin: germline. Observed: 5 variant alleles.
Comment: BA1

GeneDx
Classification: Benign. Last evaluated: 2021-05-06. Review status: criteria provided, single submitter. Criteria: GeneDx Variant Classification Process June 2021. Collection method: clinical testing. Allele origin: germline. Affected: yes.

Breakthrough Genomics
Classification: Benign. Review status: criteria provided, single submitter. Criteria: ACMG Guidelines, 2015. Collection method: not provided. Allele origin: germline. Inheritance: Autosomal recessive inheritance. Affected: yes.

NM_001171613.2(PREPL):c.225T>A (p.Ala75=)

Gene: PREPL (prolyl endopeptidase like; minus strand). Cytogenetic location: 2p21.
Variant type: single nucleotide variant.
Coding change: c.225T>A on transcript NM_001171613.2 (MANE Select); coding-DNA position 225, T replaced by A.
Protein change: p.Ala75=; no amino-acid change (alanine 75 retained).
Molecular consequence: synonymous variant.
Genome position (GRCh38, 1-based): chr2:44,343,869, A>T on the plus strand (T>A on the coding strand, the complement: PREPL is on the minus strand). VCF-style: chr2-44343869-A-T. GRCh37 (hg19) VCF-style: chr2-44571008-A-T.
Other names: p.Ala164=; c.492T>A, p.Ala164= (NM_006036.4, NM_001042385.2, NM_001042386.2 and 4 more transcripts); c.225T>A, p.Ala75= (NM_001171617.1, NM_001374277.1).
Identifiers: ClinVar variation 478318 (VCV000478318.14), dbSNP rs72875319, ClinGen allele CA1641565.